The following is an entry in ClinVar:

ClinVar aggregate classification (germline): Uncertain significance (1 of 4 stars; one submission).

Conditions:
Danon disease. Also called: PSEUDOGLYCOGENOSIS II; GSD IIb; LYSOSOMAL GLYCOGEN STORAGE DISEASE WITHOUT ACID MALTASE DEFICIENCY; ANTOPOL DISEASE; Glycogen Storage Disease Type IIb. Identifiers: Orphanet 34587, MedGen C0878677, MONDO:0010281, OMIM 300257.

Submission:

Labcorp Genetics (formerly Invitae), Labcorp
Classification: Uncertain significance for Danon disease. Last evaluated: 2021-02-10. Review status: criteria provided, single submitter. Criteria: Invitae Variant Classification Sherloc (09022015). Collection method: clinical testing. Allele origin: germline.
Comment: This sequence change replaces valine with leucine at codon 197 of the LAMP2 protein (p.Val197Leu). The valine residue is moderately conserved and there is a small physicochemical difference between valine and leucine. In summary, the available evidence is currently insufficient to determine the role of this variant in disease. Therefore, it has been classified as a Variant of Uncertain Significance. Algorithms developed to predict the effect of missense changes on protein structure and function output the following: SIFT: "Tolerated"; PolyPhen-2: "Benign"; Align-GVGD: "Class C0". The leucine amino acid residue is found in multiple mammalian species, suggesting that this missense change does not adversely affect protein function. These predictions have not been confirmed by published functional studies and their clinical significance is uncertain. This variant has not been reported in the literature in individuals with LAMP2-related conditions. This variant is not present in population databases (ExAC no frequency).

NM_002294.3(LAMP2):c.589G>C (p.Val197Leu)

Gene: LAMP2 (lysosome associated membrane protein 2; minus strand). Cytogenetic location: Xq24.
Variant type: single nucleotide variant.
Coding change: c.589G>C on transcript NM_002294.3 (MANE Select); coding-DNA position 589, G replaced by C.
Protein change: p.Val197Leu; replaces valine 197 with leucine.
Molecular consequence: missense variant.
Genome position (GRCh38, 1-based): chrX:120,447,993, C>G on the plus strand (G>C on the coding strand, the complement: LAMP2 is on the minus strand). VCF-style: chrX-120447993-C-G. GRCh37 (hg19) VCF-style: chrX-119581848-C-G.
Other names: c.589G>C, p.Val197Leu (NM_001122606.1, NM_013995.2); short protein forms V197L.
Identifiers: ClinVar variation 1444749 (VCV001444749.8), dbSNP rs1360458497, ClinGen allele CA414401666.
Genomic context (GRCh38, chrX:120,447,993, plus strand): 5'-TTTCCTTTGGAGTAGGTGTTGTAGTAGGAGATGGCACAGTGGTGTGTATGGTGGGTGCCA[C>G]TGTTGAAGTTTTGTCTTTATCACACAGGAACTCTAAAACAAGCGAAAAGGGACAAAAGAA-3'
Protein context (NP_002285.1, residues 187-207): FLCDKDKTST[Val197Leu]APTIHTTVPS